The following is an entry in ClinVar:

ClinVar aggregate classification (germline): Conflicting classifications of pathogenicity. Review status: criteria provided, conflicting classifications (1 of 4 stars). 2 submissions from 2 submitters: Uncertain significance (1); Benign (1). Last evaluated 2025-12-13.

Conditions:
Hereditary cancer-predisposing syndrome. Also called: Tumor predisposition; Hereditary Cancer Syndrome; Hereditary neoplastic syndrome; Neoplastic Syndromes, Hereditary. Identifiers: Orphanet 140162, MedGen C0027672, MeSH D009386, MONDO:0015356.
Hereditary breast ovarian cancer syndrome. Also called: Hereditary breast and/or ovarian cancer syndrome; BRCA1- and BRCA2-Associated Hereditary Breast and Ovarian Cancer; Hereditary breast and ovarian cancer syndrome; Hereditary breast and ovarian cancer; Hereditary breast and ovarian cancer syndrome (HBOC); Breast and ovarian cancer. Identifiers: Orphanet 145, MedGen C0677776, MeSH D061325, MONDO:0003582. Disease mechanism: loss of function.

Submissions (3):

Labcorp Genetics (formerly Invitae), Labcorp
Classification: Uncertain significance for Hereditary breast ovarian cancer syndrome. Last evaluated: 2025-12-13. Review status: criteria provided, single submitter. Criteria: Invitae Variant Classification Sherloc (09022015). Collection method: clinical testing. Allele origin: germline.
Comment: This sequence change replaces methionine, which is neutral and non-polar, with isoleucine, which is neutral and non-polar, at codon 1650 of the BRCA1 protein (p.Met1650Ile). This variant is not present in population databases (gnomAD no frequency). This variant has not been reported in the literature in individuals affected with BRCA1-related conditions. ClinVar contains an entry for this variant (Variation ID: 850101). Invitae Evidence Modeling incorporating data from in vitro experimental studies (PMID: 30209399) indicates that this missense variant is not expected to disrupt BRCA1 function with a negative predictive value of 95%. In summary, the available evidence is currently insufficient to determine the role of this variant in disease. Therefore, it has been classified as a Variant of Uncertain Significance.

Ambry Genetics
Classification: Benign for Hereditary cancer-predisposing syndrome. Last evaluated: 2024-07-31. Review status: criteria provided, single submitter. Criteria: Ambry Variant Classification Scheme 2023. Collection method: clinical testing. Allele origin: germline.

Brotman Baty Institute, University of Washington
No classification provided (evidence only). Condition: Breast-ovarian cancer, familial 1. Review status: no classification provided. Collection method: in vitro. Allele origin: not applicable. Functional consequence: functionally_normal. Not counted in ClinVar's aggregate classification.
ClinVar note: "not provided" was previously submitted as the classification for the variant. However, the classification appeared to be based only on an observation of functional data so it was converted to no classification on 2025-07-30.

Literature cited by the submitters: PubMed 30209399 (cited by Labcorp Genetics (formerly Invitae), Labcorp and Ambry Genetics).

NM_007294.4(BRCA1):c.4950G>A (p.Met1650Ile)

Gene: BRCA1 (BRCA1 DNA repair associated; minus strand). Cytogenetic location: 17q21.31.
Variant type: single nucleotide variant.
Coding change: c.4950G>A on transcript NM_007294.4 (MANE Select); coding-DNA position 4950, G replaced by A.
Protein change: p.Met1650Ile; replaces methionine 1650 with isoleucine.
Molecular consequence: missense variant. On other transcripts: non-coding transcript variant (1).
Genome position (GRCh38, 1-based): chr17:43,070,964, C>T on the plus strand (G>A on the coding strand, the complement: BRCA1 is on the minus strand). VCF-style: chr17-43070964-C-T. GRCh37 (hg19) VCF-style: chr17-41222981-C-T.
Other names: c.4737G>A, p.Met1579Ile (NM_001407571.1, NM_001407894.1, NM_001407908.1 and 12 more transcripts); c.5016G>A, p.Met1672Ile (NM_001407581.1, NM_001407582.1); c.5013G>A, p.Met1671Ile (NM_001407583.1, NM_001407585.1, NM_001407587.1 and 1 more transcripts); c.5010G>A, p.Met1670Ile (NM_001407590.1, NM_001407591.1); c.4950G>A, p.Met1650Ile (NM_001407593.1, NM_001407594.1, NM_001407596.1 and 8 more transcripts); c.4947G>A, p.Met1649Ile (NM_001407615.1, NM_001407616.1, NM_001407617.1 and 17 more transcripts); c.4944G>A, p.Met1648Ile (NM_001407634.1, NM_001407635.1, NM_001407636.1 and 14 more transcripts); c.4869G>A, p.Met1623Ile (NM_001407656.1, NM_001407657.1, NM_001407658.1); and 70 more; short protein forms M1650I, M1603I, M1671I, M546I, M1353I, M1523I, M1537I, M1538I.
Identifiers: ClinVar variation 850101 (VCV000850101.14), dbSNP rs2052366574, ClinGen allele CA10591623.
Genomic context (GRCh38, chr17:43,070,964, plus strand): 5'-GGAGATACATATGGATACACTCACAAATTCTTCTGGGGTCAGGCCAGACACCACCATGGA[C>T]ATTCTTTTGTTGACCCTTTCTGTTGAAGCTGTCAATTCTGGCTTCTCCCTGCTCACACTT-3'
Protein context (NP_009225.1, residues 1640-1660): TASTERVNKR[Met1650Ile]SMVVSGLTPE